The following is an entry in ClinVar:

NM_001378454.1(ALMS1):c.10916C>T (p.Pro3639Leu)

Gene: ALMS1 (ALMS1 centrosome and basal body associated protein; plus strand). Cytogenetic location: 2p13.1.
Variant type: single nucleotide variant.
Coding change: c.10916C>T on transcript NM_001378454.1 (MANE Select); coding-DNA position 10916, C replaced by T.
Protein change: p.Pro3639Leu; replaces proline 3639 with leucine.
Molecular consequence: missense variant.
Genome position (GRCh38, 1-based): chr2:73,572,793, C>T. VCF-style: chr2-73572793-C-T. GRCh37 (hg19) VCF-style: chr2-73799920-C-T.
Other names: c.10919C>T, p.Pro3640Leu (NM_015120.4); short protein forms P3640L, P3639L.
Identifiers: ClinVar variation 1789356 (VCV001789356.2), dbSNP rs2466445255, ClinGen allele CA347286169.

ClinVar aggregate classification (germline): Uncertain significance (1 of 4 stars; one submission).

Conditions:
Cardiovascular phenotype. Identifiers: MedGen CN230736.

Allele frequency attached by ClinVar (database versions not stated): gnomAD exomes below 0.00001.
gnomAD v4.1: 1 of 1,614,026 alleles (0.000062%); highest among the groups gnomAD compares: Non-Finnish European, 0.000085%; no homozygotes.

Submission:

Ambry Genetics
Classification: Uncertain significance for Cardiovascular phenotype. Last evaluated: 2022-03-25. Review status: criteria provided, single submitter. Criteria: Ambry Variant Classification Scheme 2023. Collection method: clinical testing. Allele origin: germline.
Comment: The p.P3640L variant (also known as c.10919C>T), located in coding exon 16 of the ALMS1 gene, results from a C to T substitution at nucleotide position 10919. The proline at codon 3640 is replaced by leucine, an amino acid with similar properties. This amino acid position is highly conserved in available vertebrate species. In addition, this alteration is predicted to be deleterious by in silico analysis. Since supporting evidence is limited at this time, the clinical significance of this alteration remains unclear.